The following is an entry in ClinVar:

NM_015107.3(PHF8):c.2129+39G>C

Gene: PHF8 (PHD finger protein 8; minus strand). Cytogenetic location: Xp11.22.
Variant type: single nucleotide variant.
Coding change: c.2129+39G>C on transcript NM_015107.3 (MANE Select); 39 bases into the intron after coding-DNA position 2129, G replaced by C.
Molecular consequence: intron variant. On other transcripts: missense variant (1).
Genome position (GRCh38, 1-based): chrX:53,985,777, C>G on the plus strand (G>C on the coding strand, the complement: PHF8 is on the minus strand). VCF-style: chrX-53985777-C-G. GRCh37 (hg19) VCF-style: chrX-54012210-C-G.
Other names: c.2046G>C, p.Gln682His (NM_001184898.2); c.2237+39G>C (NM_001184896.1); c.1826+39G>C (NM_001184897.2); short protein forms Q682H.
Identifiers: ClinVar variation 1030278 (VCV001030278.1), dbSNP rs2065554551, ClinGen allele CA413253772.
Genomic context (GRCh38, chrX:53,985,777, plus strand): 5'-CTCTATAAATATCTACTGATTGGCTGACCTGGCACCTTGGGCGGGAGCGGGGGTTGCTGT[C>G]TGATAGCCTGGAAAGGGGAGATAAAAGCCAGTACTCACGTGAGGGCAGCATAGTCAGGTC-3'

ClinVar aggregate classification (germline): Uncertain significance (1 of 4 stars; one submission).

Conditions:
Intellectual developmental disorder, X-linked, syndromic, Siderius type. Also called: Syndromic X-linked intellectual disability Siderius type. Identifiers: Orphanet 85287, MedGen C1846055, MONDO:0010286, OMIM 300263.

Submission:

Baylor Genetics
Classification: Uncertain significance for Intellectual developmental disorder, X-linked, syndromic, Siderius type. Last evaluated: 2020-01-07. Review status: criteria provided, single submitter. Criteria: ACMG Guidelines, 2015. Collection method: clinical testing. Allele origin: unknown. Affected: yes.
Comment: This variant was determined to be of uncertain significance according to ACMG Guidelines, 2015 [PMID:25741868].